The following is an entry in ClinVar:

NM_000090.4(COL3A1):c.4135A>T (p.Met1379Leu)

Gene: COL3A1 (collagen type III alpha 1 chain; plus strand). Cytogenetic location: 2q32.2.
Variant type: single nucleotide variant.
Coding change: c.4135A>T on transcript NM_000090.4 (MANE Select); coding-DNA position 4135, A replaced by T.
Protein change: p.Met1379Leu; replaces methionine 1379 with leucine.
Molecular consequence: missense variant.
Genome position (GRCh38, 1-based): chr2:189,010,771, A>T. VCF-style: chr2-189010771-A-T. GRCh37 (hg19) VCF-style: chr2-189875497-A-T.
Other names: short protein forms M1379L.
Identifiers: ClinVar variation 1172348 (VCV001172348.5), dbSNP rs1060500196, ClinGen allele CA349849468.
Genomic context (GRCh38, chr2:189,010,771, plus strand): 5'-CTTCTCTCCAGCCGAGCTTCCCAGAACATCACATATCACTGCAAAAATAGCATTGCATAC[A>T]TGGATCAGGCCAGTGGAAATGTAAAGAAGGCCCTGAAGCTGATGGGGTCAAATGAAGGTG-3'
Protein context (NP_000081.2, residues 1369-1389): TYHCKNSIAY[Met1379Leu]DQASGNVKKA

ClinVar aggregate classification (germline): Uncertain significance. Review status: criteria provided, multiple submitters, no conflicts (2 of 4 stars). 2 submissions from 2 submitters: Uncertain significance (2). Last evaluated 2024-03-06.

Conditions:
Familial thoracic aortic aneurysm and aortic dissection (TAAD). Also called: Thoracic aortic aneurysms and dissections. Identifiers: Orphanet 91387, MedGen C4707243, MONDO:0019625.
Ehlers-Danlos syndrome, type 4 (EDSVASC). Also called: Ehlers-Danlos syndrome vascular type; Ehlers Danlos syndrome, ecchymotic type; Ehlers Danlos syndrome, arterial type; Ehlers Danlos syndrome, Sack-Barabas type; Ehlers-Danlos Syndrome Type IV. Identifiers: Orphanet 286, MedGen C0268338, MONDO:0017314, OMIM 130050.

Allele frequency attached by ClinVar (database versions not stated): TOPMed below 0.00001.

Submissions (2):

Color Diagnostics, LLC DBA Color Health
Classification: Uncertain significance for Familial thoracic aortic aneurysm and aortic dissection. Last evaluated: 2024-03-06. Review status: criteria provided, single submitter. Criteria: ACMG Guidelines, 2015. Collection method: clinical testing. Allele origin: germline.
Comment: This missense variant replaces methionine with leucine at codon 1379 of the COL3A1 protein. Computational prediction suggests that this variant may not impact protein structure and function (internally defined REVEL score threshold <= 0.5, PMID: 27666373). To our knowledge, functional studies have not been reported for this variant. This variant has not been reported in individuals affected with COL3A1-related disorders in the literature. This variant has not been identified in the general population by the Genome Aggregation Database (gnomAD). The available evidence is insufficient to determine the role of this variant in disease conclusively. Therefore, this variant is classified as a Variant of Uncertain Significance.

All of Us Research Program, National Institutes of Health
Classification: Uncertain significance for Ehlers-Danlos syndrome, type 4. Last evaluated: 2023-11-20. Review status: criteria provided, single submitter. Criteria: ACMG Guidelines, 2015. Collection method: clinical testing. Allele origin: germline. Inheritance: Autosomal dominant inheritance. Observed: 1 variant allele, 1 heterozygote.
Comment: This missense variant replaces methionine with leucine at codon 1379 of the COL3A1 protein. Computational prediction suggests that this variant may not impact protein structure and function (internally defined REVEL score threshold <= 0.5, PMID: 27666373). To our knowledge, functional studies have not been reported for this variant. This variant has not been reported in individuals affected with cardiovascular disorders in the literature. This variant has not been identified in the general population by the Genome Aggregation Database (gnomAD). The available evidence is insufficient to determine the role of this variant in disease conclusively. Therefore, this variant is classified as a Variant of Uncertain Significance.

This study involves interpretation of variants in research participants for the purpose of population health screening. Participant phenotype was not available at the time of variant classification. Additional details can be found in publication PMID: 35346344, PMCID: PMC8962531